The following is an entry in ClinVar:

ClinVar aggregate classification (germline): Uncertain significance (1 of 4 stars; one submission).

Conditions:
Familial focal epilepsy with variable foci (FPEVF). Identifiers: Orphanet 98820, MedGen C1858477, MONDO:0020310.

Allele frequency attached by ClinVar (database versions not stated): TOPMed 0.00001.
gnomAD v4.1: 6 of 1,614,074 alleles (0.00037%); highest among the groups gnomAD compares: Non-Finnish European, 0.00051%; no homozygotes.

Submission:

Labcorp Genetics (formerly Invitae), Labcorp
Classification: Uncertain significance for Familial focal epilepsy with variable foci. Last evaluated: 2026-01-19. Review status: criteria provided, single submitter. Criteria: Invitae Variant Classification Sherloc (09022015). Collection method: clinical testing. Allele origin: germline.
Comment: This sequence change replaces valine, which is neutral and non-polar, with leucine, which is neutral and non-polar, at codon 577 of the DEPDC5 protein (p.Val577Leu). This variant is not present in population databases (gnomAD no frequency). This variant has not been reported in the literature in individuals affected with DEPDC5-related conditions. ClinVar contains an entry for this variant (Variation ID: 2045328). Experimental studies and prediction algorithms are not available or were not evaluated, and the functional significance of this variant is currently unknown. In summary, the available evidence is currently insufficient to determine the role of this variant in disease. Therefore, it has been classified as a Variant of Uncertain Significance.

NM_001242896.3(DEPDC5):c.1729G>C (p.Val577Leu)

Gene: DEPDC5 (DEP domain containing 5, GATOR1 subcomplex subunit; plus strand). Cytogenetic location: 22q12.3.
Variant type: single nucleotide variant.
Coding change: c.1729G>C on transcript NM_001242896.3 (MANE Select); coding-DNA position 1729, G replaced by C.
Protein change: p.Val577Leu; replaces valine 577 with leucine.
Molecular consequence: missense variant. On other transcripts: non-coding transcript variant (5).
Genome position (GRCh38, 1-based): chr22:31,819,084, G>C. VCF-style: chr22-31819084-G-C. GRCh37 (hg19) VCF-style: chr22-32215070-G-C.
Other names: c.1729G>C, p.Val577Leu (NM_001136029.4, NM_001242897.2, NM_001363852.2 and 6 more transcripts); c.1645G>C, p.Val549Leu (NM_001369901.1, NM_001369902.1); short protein forms V549L, V577L.
Identifiers: ClinVar variation 2045328 (VCV002045328.4), dbSNP rs573430885, ClinGen allele CA411280521.